The following is an entry in ClinVar:

ClinVar aggregate classification (germline): Likely benign. Review status: criteria provided, multiple submitters, no conflicts (2 of 4 stars). 2 submissions from 2 submitters: Likely benign (2). Last evaluated 2022-05-01.

Conditions:
Early-infantile DEE. Also called: Early infantile epileptic encephalopathy; Ohtahara syndrome; Early infantile epileptic encephalopathy with suppression bursts. Identifiers: Orphanet 1934, MedGen C0393706, MONDO:0800491.

Allele frequency attached by ClinVar (database versions not stated): gnomAD exomes below 0.00001.
gnomAD v4.1: 4 of 1,569,138 alleles (0.00025%); highest among the groups gnomAD compares: African/African-American, 0.0014%; no homozygotes.

Submissions (2):

CeGaT Center for Human Genetics Tuebingen
Classification: Likely benign. Last evaluated: 2022-05-01. Review status: criteria provided, single submitter. Criteria: CeGaT Center For Human Genetics Tuebingen Variant Classification Criteria Version 2. Collection method: clinical testing. Allele origin: germline. Affected: yes. Observed: 1 variant allele.
Comment: SCN8A: PM2:Supporting, BP4, BP7

Labcorp Genetics (formerly Invitae), Labcorp
Classification: Likely benign for Early-infantile DEE. Last evaluated: 2019-04-03. Review status: criteria provided, single submitter. Criteria: Invitae Variant Classification Sherloc (09022015). Collection method: clinical testing. Allele origin: germline.

NM_001330260.2(SCN8A):c.4861T>C (p.Leu1621=)

Gene: SCN8A (sodium voltage-gated channel alpha subunit 8; plus strand). Cytogenetic location: 12q13.13.
Variant type: single nucleotide variant.
Coding change: c.4861T>C on transcript NM_001330260.2 (MANE Select); coding-DNA position 4861, T replaced by C.
Protein change: p.Leu1621=; no amino-acid change (leucine 1621 retained).
Molecular consequence: synonymous variant.
Genome position (GRCh38, 1-based): chr12:51,806,347, T>C. VCF-style: chr12-51806347-T-C. GRCh37 (hg19) VCF-style: chr12-52200131-T-C.
Other names: c.4738T>C, p.Leu1580= (NM_001177984.3, NM_001369788.1); c.4861T>C, p.Leu1621= (NM_014191.4).
Identifiers: ClinVar variation 1113821 (VCV001113821.33), dbSNP rs2138942326, ClinGen allele CA479788056.